The following is an entry in ClinVar:

NM_182925.5(FLT4):c.921G>A (p.Ser307=)

Gene: FLT4 (fms related receptor tyrosine kinase 4; minus strand). Cytogenetic location: 5q35.3.
Variant type: single nucleotide variant.
Coding change: c.921G>A on transcript NM_182925.5 (MANE Select); coding-DNA position 921, G replaced by A.
Protein change: p.Ser307=; no amino-acid change (serine 307 retained).
Molecular consequence: synonymous variant.
Genome position (GRCh38, 1-based): chr5:180,629,323, C>T on the plus strand (G>A on the coding strand, the complement: FLT4 is on the minus strand). VCF-style: chr5-180629323-C-T. GRCh37 (hg19) VCF-style: chr5-180056323-C-T.
Other names: c.921G>A, p.Ser307= (NM_001354989.2, NM_002020.5).
Identifiers: ClinVar variation 4534112 (VCV004534112.6).

ClinVar aggregate classification (germline): Likely benign (1 of 4 stars; one submission).

gnomAD v4.1: 24 of 1,613,200 alleles (0.0015%); highest among the groups gnomAD compares: Middle Eastern, 0.017%; no homozygotes.

Submission:

CeGaT Center for Human Genetics Tuebingen
Classification: Likely benign. Last evaluated: 2025-11-01. Review status: criteria provided, single submitter. Criteria: CeGaT Center For Human Genetics Tuebingen Variant Classification Criteria Version 2. Collection method: clinical testing. Allele origin: germline. Affected: yes. Observed: 1 variant allele.
Comment: FLT4: BP4, BP7